The following is an entry in ClinVar:

ClinVar aggregate classification (germline): Uncertain significance. Review status: criteria provided, multiple submitters, no conflicts (2 of 4 stars). 2 submissions from 2 submitters: Uncertain significance (2). Last evaluated 2025-08-12.

Conditions:
Inborn genetic diseases. Identifiers: MedGen C0950123, MeSH D030342.

Allele frequency attached by ClinVar (database versions not stated): gnomAD 0.00001; TOPMed 0.00001.
gnomAD v4.1: 13 of 1,613,898 alleles (0.00081%); highest among the groups gnomAD compares: African/African-American, 0.0013%; no homozygotes.

Submissions (2):

Ambry Genetics
Classification: Uncertain significance for Inborn genetic diseases. Last evaluated: 2025-08-12. Review status: criteria provided, single submitter. Criteria: Ambry Variant Classification Scheme 2023. Collection method: clinical testing. Allele origin: germline.

Labcorp Genetics (formerly Invitae), Labcorp
Classification: Uncertain significance. Last evaluated: 2024-07-19. Review status: criteria provided, single submitter. Criteria: Invitae Variant Classification Sherloc (09022015). Collection method: clinical testing. Allele origin: germline.
Comment: This sequence change replaces arginine, which is basic and polar, with glutamine, which is neutral and polar, at codon 238 of the PTDSS1 protein (p.Arg238Gln). This variant is present in population databases (rs758567950, gnomAD 0.003%). This variant has not been reported in the literature in individuals affected with PTDSS1-related conditions. ClinVar contains an entry for this variant (Variation ID: 1374142). Advanced modeling of protein sequence and biophysical properties (such as structural, functional, and spatial information, amino acid conservation, physicochemical variation, residue mobility, and thermodynamic stability) performed at Invitae indicates that this missense variant is not expected to disrupt PTDSS1 protein function with a negative predictive value of 80%. In summary, the available evidence is currently insufficient to determine the role of this variant in disease. Therefore, it has been classified as a Variant of Uncertain Significance.

NM_014754.3(PTDSS1):c.713G>A (p.Arg238Gln)

Gene: PTDSS1 (phosphatidylserine synthase 1; plus strand). Cytogenetic location: 8q22.1.
Variant type: single nucleotide variant.
Coding change: c.713G>A on transcript NM_014754.3 (MANE Select); coding-DNA position 713, G replaced by A.
Protein change: p.Arg238Gln; replaces arginine 238 with glutamine.
Molecular consequence: missense variant.
Genome position (GRCh38, 1-based): chr8:96,299,806, G>A. VCF-style: chr8-96299806-G-A. GRCh37 (hg19) VCF-style: chr8-97312034-G-A.
Other names: c.713G>A (NM_014754.1); c.275G>A, p.Arg92Gln (NM_001290225.2); short protein forms R238Q, R92Q.
Identifiers: ClinVar variation 1374142 (VCV001374142.7), dbSNP rs758567950, ClinGen allele CA4816645.